The following is an entry in ClinVar:

NM_203447.4(DOCK8):c.4655C>T (p.Thr1552Ile)

Gene: DOCK8 (dedicator of cytokinesis 8; plus strand). Cytogenetic location: 9p24.3.
Variant type: single nucleotide variant.
Coding change: c.4655C>T on transcript NM_203447.4 (MANE Select); coding-DNA position 4655, C replaced by T.
Protein change: p.Thr1552Ile; replaces threonine 1552 with isoleucine.
Molecular consequence: missense variant.
Genome position (GRCh38, 1-based): chr9:432,194, C>T. VCF-style: chr9-432194-C-T. GRCh37 (hg19) VCF-style: chr9-432194-C-T.
Other names: c.4355C>T, p.Thr1452Ile (NM_001190458.2); c.4451C>T, p.Thr1484Ile (NM_001193536.2); short protein forms T1484I, T1552I, T1452I.
Identifiers: ClinVar variation 958985 (VCV000958985.10), dbSNP rs770481901, ClinGen allele CA4959166.
Genomic context (GRCh38, chr9:432,194, plus strand): 5'-CTTCATCTTTTTTTTTTTTTTCACTGATGCAGAATTTTGCAAGAGTAAAGATGCAAGTAA[C>T]CATGTCCCTGGCATCTTTGGTGGGAAGAGCACCAGACTTTAATGAAGAGCACCTGAGAAG-3'
Protein context (NP_982272.2, residues 1542-1562): SNFARVKMQV[Thr1552Ile]MSLASLVGRA

ClinVar aggregate classification (germline): Uncertain significance (1 of 4 stars; one submission).

Conditions:
Combined immunodeficiency due to DOCK8 deficiency (HIES2). Also called: HIES autosomal recessive; DOCK8 Deficiency; Hyper-IgE recurrent infection syndrome, autosomal recessive; HYPER-IgE RECURRENT INFECTION SYNDROME 2, AUTOSOMAL RECESSIVE; HYPER-IgE SYNDROME 2, AUTOSOMAL RECESSIVE, WITH RECURRENT INFECTIONS. Identifiers: Orphanet 217390, MedGen C4722305, MONDO:0009478, OMIM 243700.

Allele frequency attached by ClinVar (database versions not stated): gnomAD exomes below 0.00001; ExAC 0.00001.
gnomAD v4.1: 3 of 1,612,686 alleles (0.00019%); highest among the groups gnomAD compares: Non-Finnish European, 0.000085%; no homozygotes.

Submission:

Labcorp Genetics (formerly Invitae), Labcorp
Classification: Uncertain significance for Combined immunodeficiency due to DOCK8 deficiency. Last evaluated: 2019-09-20. Review status: criteria provided, single submitter. Criteria: Invitae Variant Classification Sherloc (09022015). Collection method: clinical testing. Allele origin: germline.
Comment: In summary, the available evidence is currently insufficient to determine the role of this variant in disease. Therefore, it has been classified as a Variant of Uncertain Significance. Algorithms developed to predict the effect of missense changes on protein structure and function are either unavailable or do not agree on the potential impact of this missense change (SIFT: "Deleterious"; PolyPhen-2: "Probably Damaging"; Align-GVGD: "Class C15"). This variant has not been reported in the literature in individuals with DOCK8-related conditions. This variant is present in population databases (rs770481901, ExAC 0.002%). This sequence change replaces threonine with isoleucine at codon 1552 of the DOCK8 protein (p.Thr1552Ile). The threonine residue is highly conserved and there is a moderate physicochemical difference between threonine and isoleucine.